The following is an entry in ClinVar:

NM_058216.3(RAD51C):c.651A>G (p.Thr217=)

Genes: RAD51C (RAD51 paralog C; plus strand), LOC129390903 (MPRA-validated peak2919 silencer; plus strand). Cytogenetic location: 17q22.
Variant type: single nucleotide variant.
Coding change: c.651A>G on transcript NM_058216.3 (MANE Select); coding-DNA position 651, A replaced by G.
Protein change: p.Thr217=; no amino-acid change (threonine 217 retained).
Molecular consequence: synonymous variant. On other transcripts: non-coding transcript variant (1).
Genome position (GRCh38, 1-based): chr17:58,703,275, A>G. VCF-style: chr17-58703275-A-G. GRCh37 (hg19) VCF-style: chr17-56780636-A-G.
Other names: c.651A>G (NM_058216.1).
Identifiers: ClinVar variation 1587677 (VCV001587677.10), dbSNP rs757915374, ClinGen allele CA501075231.

ClinVar aggregate classification (germline): Benign/Likely benign. Review status: criteria provided, multiple submitters, no conflicts (2 of 4 stars). 3 submissions from 3 submitters: Benign (1); Likely benign (2). Last evaluated 2025-02-18.

Conditions:
Fanconi anemia complementation group O. Also called: RAD51C-Related Fanconi Anemia. Identifiers: Orphanet 84, MedGen C3150653, MONDO:0013248, OMIM 613390.
Breast-ovarian cancer, familial, susceptibility to, 3. Also called: RAD51C-Related Breast/Ovarian Cancer. Identifiers: Orphanet 145, MedGen C3150659, MONDO:0013253, OMIM 613399.
Hereditary cancer-predisposing syndrome. Also called: Neoplastic Syndromes, Hereditary; Hereditary neoplastic syndrome; Hereditary Cancer Syndrome; Tumor predisposition. Identifiers: Orphanet 140162, MedGen C0027672, MeSH D009386, MONDO:0015356.

Allele frequency attached by ClinVar (database versions not stated): gnomAD 0.00001.

Submissions (3):

Myriad Genetics, Inc.
Classification: Benign for Breast-ovarian cancer, familial, susceptibility to, 3. Last evaluated: 2025-02-18. Review status: criteria provided, single submitter. Criteria: Myriad Autosomal Dominant, Autosomal Recessive and X-Linked Classification Criteria (2023). Collection method: clinical testing. Allele origin: unknown.
Comment: This variant is considered benign. This variant is a silent/synonymous amino acid change and it is not expected to impact splicing.

Ambry Genetics
Classification: Likely benign for Hereditary cancer-predisposing syndrome. Last evaluated: 2023-05-22. Review status: criteria provided, single submitter. Criteria: Ambry Variant Classification Scheme 2023. Collection method: clinical testing. Allele origin: germline.

Labcorp Genetics (formerly Invitae), Labcorp
Classification: Likely benign for Fanconi anemia complementation group O. Last evaluated: 2022-11-23. Review status: criteria provided, single submitter. Criteria: Invitae Variant Classification Sherloc (09022015). Collection method: clinical testing. Allele origin: germline.